The following is an entry in ClinVar:

ClinVar aggregate classification (germline): Uncertain significance. Review status: criteria provided, multiple submitters, no conflicts (2 of 4 stars). 3 submissions from 3 submitters: Uncertain significance (3). Last evaluated 2022-08-16.

Conditions:
RYR1-related disorder. Also called: RYR1-related condition; RYR1-related disorders. Identifiers: MedGen CN239331.

gnomAD v4.1: 4 of 1,613,110 alleles (0.00025%); highest among the groups gnomAD compares: Non-Finnish European, 0.00034%; no homozygotes.

Submissions (3):

Labcorp Genetics (formerly Invitae), Labcorp
Classification: Uncertain significance for RYR1-related disorder. Last evaluated: 2022-08-16. Review status: criteria provided, single submitter. Criteria: Invitae Variant Classification Sherloc (09022015). Collection method: clinical testing. Allele origin: germline.
Comment: This variant has not been reported in the literature in individuals affected with RYR1-related conditions. ClinVar contains an entry for this variant (Variation ID: 452707). Advanced modeling of protein sequence and biophysical properties (such as structural, functional, and spatial information, amino acid conservation, physicochemical variation, residue mobility, and thermodynamic stability) performed at Invitae indicates that this missense variant is expected to disrupt RYR1 protein function. In summary, the available evidence is currently insufficient to determine the role of this variant in disease. Therefore, it has been classified as a Variant of Uncertain Significance. This variant is not present in population databases (gnomAD no frequency). This sequence change replaces serine, which is neutral and polar, with phenylalanine, which is neutral and non-polar, at codon 2581 of the RYR1 protein (p.Ser2581Phe).

Revvity Omics, Revvity
Classification: Uncertain significance. Last evaluated: 2019-07-02. Review status: criteria provided, single submitter. Criteria: ACMG Guidelines, 2015. Collection method: clinical testing. Allele origin: germline.

GeneDx
Classification: Uncertain significance. Last evaluated: 2017-10-11. Review status: criteria provided, single submitter. Criteria: GeneDx Variant Classification (06012015). Collection method: clinical testing. Allele origin: germline. Affected: yes.
Comment: The S2581F variant in the RYR1 gene has not been reported previously as a pathogenic variant, nor as a benign variant, to our knowledge. The S2581F variant is not observed in large population cohorts (Lek et al., 2016). The S2581F variant is a non-conservative amino acid substitution, which is likely to impact secondary protein structure as these residues differ in polarity, charge, size and/or other properties. This substitution occurs at a position that is conserved across species, and in silico analysis predicts this variant is probably damaging to the protein structure/function. We interpret S2581F as a variant of uncertain significance.

NM_000540.3(RYR1):c.7742C>T (p.Ser2581Phe)

Gene: RYR1 (ryanodine receptor 1; plus strand). Cytogenetic location: 19q13.2.
Variant type: single nucleotide variant.
Coding change: c.7742C>T on transcript NM_000540.3 (MANE Select); coding-DNA position 7742, C replaced by T.
Protein change: p.Ser2581Phe; replaces serine 2581 with phenylalanine.
Molecular consequence: missense variant.
Genome position (GRCh38, 1-based): chr19:38,502,634, C>T. VCF-style: chr19-38502634-C-T. GRCh37 (hg19) VCF-style: chr19-38993274-C-T.
Other names: c.7742C>T, p.Ser2581Phe (NM_001042723.2); short protein forms S2581F.
Identifiers: ClinVar variation 452707 (VCV000452707.10), dbSNP rs746348043, ClinGen allele CA405671886.